The following continues an entry in ClinVar:

NM_000059.4(BRCA2):c.6644_6647del (p.Tyr2215fs)

Gene: BRCA2. ClinVar aggregate classification (germline): Pathogenic. Pathogenic (1).

Submissions 10 to 26 of 26:

GeneDx
Classification: Pathogenic. Last evaluated: 2021-01-19. Review status: criteria provided, single submitter. Criteria: GeneDx Variant Classification Process June 2021. Collection method: clinical testing. Allele origin: germline. Affected: yes. Not counted in ClinVar's aggregate classification.
Comment: Frameshift variant predicted to result in protein truncation or nonsense mediated decay in a gene for which loss-of-function is a known mechanism of disease; Observed in individuals with a personal and/or family history of breast and/or ovarian cancer (Serova-Sinilnikova 1997, Verhoog 1999, Risch 2001, Verhoog 2001, Lewis 2006, Zhang 2011, Caputo 2012, Tung 2015, Johnson 2017, Labidi-Galy 2018); Not observed at a significant frequency in large population cohorts (Lek 2016); Truncating variants in this gene are considered pathogenic by a well-established clinical consortium and/or database; Also known as 6872_6875delACTC; This variant is associated with the following publications: (PMID: 11179017, 29625052, 9150172, 16683254, 21324516, 22144684, 26586665, 26926684, 16541310, 22019625, 11597388, 21120943, 25186627, 28526081, 28476184, 15131399, 29084914, 10550133, 30720243)

Institute of Medical Genetics and Applied Genomics, University Hospital Tübingen
Classification: Pathogenic. Last evaluated: 2020-10-23. Review status: criteria provided, single submitter. Criteria: ACMG Guidelines, 2015. Collection method: clinical testing. Allele origin: germline. Inheritance: Unknown mechanism. Affected: yes. Not counted in ClinVar's aggregate classification.

ARUP Laboratories, Molecular Genetics and Genomics, ARUP Laboratories
Classification: Pathogenic. Last evaluated: 2020-05-21. Review status: criteria provided, single submitter. Criteria: ARUP Molecular Germline Variant Investigation Process. Collection method: clinical testing. Allele origin: germline. Not counted in ClinVar's aggregate classification.
Comment: The BRCA2 c.6644_6647delACTC; p.Tyr2215fs variant (rs80359616), also known as c.6872del4, is reported in the literature in several individuals with breast and/or ovarian cancer (Caputo 2012, Serova-Sinilnikova 1997, Zhang 2011). This variant is also reported in ClinVar (Variation ID: 38060). It is only observed on one allele in the Genome Aggregation Database, indicating it is not a common polymorphism. This variant causes a frameshift by deleting four nucleotides, so it is predicted to result in a truncated protein or mRNA subject to nonsense-mediated decay. Based on available information, this variant is considered to be pathogenic. REFERENCES Caputo S et al. Description and analysis of genetic variants in French hereditary breast and ovarian cancer families recorded in the UMD-BRCA1/BRCA2 databases. Nucleic Acids Res. 2012;40(Database issue):D992-1002. Serova-Sinilnikova OM et al. BRCA2 mutations in hereditary breast and ovarian cancer in France. Am J Hum Genet. 1997 May;60(5):1236-9. Zhang S et al. Frequencies of BRCA1 and BRCA2 mutations among 1,342 unselected patients with invasive ovarian cancer. Gynecol Oncol. 2011;121(2):353-7.

Mayo Clinic Laboratories, Mayo Clinic
Classification: Pathogenic. Last evaluated: 2020-03-16. Review status: criteria provided, single submitter. Criteria: ACMG Guidelines, 2015. Collection method: clinical testing. Allele origin: germline. Observed: 1 variant allele. Not counted in ClinVar's aggregate classification.
Comment: PVS1, PM2, PP5

Women's Health and Genetics/Laboratory Corporation of America, LabCorp
Classification: Pathogenic for Hereditary breast and ovarian cancer syndrome. Last evaluated: 2019-03-05. Review status: criteria provided, single submitter. Criteria: LabCorp Variant Classification Summary - May 2015. Collection method: clinical testing. Allele origin: germline. Not counted in ClinVar's aggregate classification.
Comment: Variant summary: The variant, BRCA2 c.6644_6647delACTC (p.Tyr2215SerfsX13) results in a premature termination codon, predicted to cause a truncation of the encoded protein or absence of the protein due to nonsense mediated decay, which are commonly known mechanisms for disease. Truncations downstream of this position have been classified as pathogenic by our laboratory (eg. c.6682dupG(p.Val2228fsX5), c.6757_6758delCT(p.Leu2253fsX7)). The variant allele was found at a frequency of 4.1e-06 in 244534 control chromosomes (gnomAD) and has been reported in the literature in multiple individuals affected with breast cancer, ovarian cancer and pancreatic cancer (Caputo_2012, Lee_2008, Hu_2018, Zhang_2011). These data indicate that the variant is very likely to be associated with disease. To our knowledge, no experimental evidence demonstrating an impact on protein function has been reported. Ten ClinVar submissions from clinical diagnostic laboratories (evaluation after 2014) cite the variant as pathogenic. Based on the evidence outlined above, the variant was classified as pathogenic.

CHEO Genetics Diagnostic Laboratory, Children's Hospital of Eastern Ontario
Classification: Pathogenic for Breast and/or ovarian cancer. Last evaluated: 2017-05-26. Review status: criteria provided, single submitter. Criteria: ACMG Guidelines, 2015. Collection method: clinical testing. Allele origin: germline. Study: Canadian Open Genetics Repository. Not counted in ClinVar's aggregate classification.

Laboratory for Molecular Medicine, Mass General Brigham Personalized Medicine
Classification: Pathogenic for Hereditary breast ovarian cancer syndrome. Last evaluated: 2017-01-27. Review status: criteria provided, single submitter. Criteria: LMM Criteria. Collection method: clinical testing. Allele origin: germline. Inheritance: Autosomal dominant inheritance. Observed: 3 variant alleles. Not counted in ClinVar's aggregate classification.
Comment: The p.Tyr2215fs variant in BRCA2 has been reported in >25 individuals with BRCA2 -associated cancers and segregated with disease in 5 relatives from 2 families ( Serova-Sinilnikova 1997, Caputo 2012, Zhang 2011, Risch 2001, Verhoog 2001, and Breast Cancer Information Core (BIC) database). It was also absent from large po pulation studies. This variant is predicted to cause a frameshift, which alters the protein?s amino acid sequence beginning at position 2215 and leads to a prem ature termination codon 13 amino acids downstream. This alteration is then predi cted to lead to a truncated or absent protein. Heterozygous loss of function of the BRCA2 gene is an established disease mechanism in hereditary breast and ovar ian cancer (HBOC). In addition, this variant was classified as Pathogenic on Sep tember 8, 2016 by the ClinGen-approved ENIGMA expert panel (ClinVar SCV000301085 .2). In summary, this variant meets criteria to be classified as pathogenic for HBOC in an autosomal dominant manner.

Consortium of Investigators of Modifiers of BRCA1/2 (CIMBA), c/o University of Cambridge
Classification: Pathogenic for Breast-ovarian cancer, familial, susceptibility to, 2. Last evaluated: 2015-10-02. Review status: criteria provided, single submitter. Criteria: CIMBA Mutation Classification guidelines May 2016. Collection method: clinical testing. Allele origin: germline. Not counted in ClinVar's aggregate classification.

Clinical Genetics DNA and cytogenetics Diagnostics Lab, Erasmus MC, Erasmus Medical Center
Classification: Pathogenic for Breast-ovarian cancer, familial, susceptibility to, 2. Last evaluated: 2015-09-21. Review status: criteria provided, single submitter. Criteria: ACGS Guidelines, 2013. Collection method: clinical testing. Allele origin: germline. Affected: yes. Study: VKGL Data-share Consensus. Not counted in ClinVar's aggregate classification.

Genesis Genomics
Classification: Pathogenic for Breast-ovarian cancer, familial, susceptibility to, 2. Review status: criteria provided, single submitter. Criteria: ACMG Guidelines, 2015. Collection method: clinical testing. Allele origin: germline. Affected: yes. Observed: 1 variant allele. Not counted in ClinVar's aggregate classification.

PreventionGenetics, part of Exact Sciences
Classification: Pathogenic for BRCA2-related condition. Last evaluated: 2024-05-17. Review status: no assertion criteria provided. Collection method: clinical testing. Allele origin: germline. Not counted in ClinVar's aggregate classification.
Comment: The BRCA2 c.6644_6647delACTC variant is predicted to result in a frameshift and premature protein termination (p.Tyr2215Serfs*13). This variant has been reported in several individuals with breast and ovarian cancer (Serova-Sinilnikova et al. 1997. PubMed ID: 9150172; van der Hout et al. 2006. PubMed ID: 16683254; reported as 6872del4 in Zhang et al. 2011. PubMed ID: 21324516). This variant is reported in 0.00088% of alleles in individuals of European (Non-Finnish) descent in gnomAD. In ClinVar, it is reported as pathogenic by many genetic testing laboratories and the Evidence-based Network for the Interpretation of Germline Mutant Alleles expert panel. Frameshift variants in BRCA2 are expected to be pathogenic. This variant is interpreted as pathogenic.

BRCAlab, Lund University
Classification: Pathogenic for Breast-ovarian cancer, familial, susceptibility to, 2. Last evaluated: 2020-03-02. Review status: no assertion criteria provided. Collection method: clinical testing. Allele origin: germline. Affected: yes. Not counted in ClinVar's aggregate classification.

Counsyl
Classification: Pathogenic for Breast-ovarian cancer, familial, susceptibility to, 2. Last evaluated: 2017-04-18. Review status: no assertion criteria provided. Collection method: clinical testing. Allele origin: unknown. Not counted in ClinVar's aggregate classification.

Research Molecular Genetics Laboratory, Women's College Hospital, University of Toronto
Classification: Pathogenic for Hereditary breast ovarian cancer syndrome. Last evaluated: 2014-01-31. Review status: no assertion criteria provided. Collection method: research. Allele origin: germline. Affected: yes. Study: The Canadian Open Genetics Repository (COGR). Not counted in ClinVar's aggregate classification.

Sharing Clinical Reports Project (SCRP)
Classification: Pathogenic for Breast-ovarian cancer, familial 2. Last evaluated: 2012-05-01. Review status: no assertion criteria provided. Collection method: clinical testing. Allele origin: germline. Not counted in ClinVar's aggregate classification.

Breast Cancer Information Core (BIC) (BRCA2)
Classification: Pathogenic for Breast-ovarian cancer, familial 2. Last evaluated: 2002-05-29. Review status: no assertion criteria provided. Collection method: clinical testing. Allele origin: germline. Affected: yes. Observed: 21 variant alleles. Not counted in ClinVar's aggregate classification.

Clinical Genetics Laboratory, Department of Pathology, Netherlands Cancer Institute
Classification: Pathogenic. Review status: no assertion criteria provided. Collection method: clinical testing. Allele origin: germline. Affected: yes. Study: VKGL Data-share Consensus. Not counted in ClinVar's aggregate classification.

Literature cited by the submitters: PubMed 20104584 (cited by Labcorp Genetics (formerly Invitae), Labcorp); PubMed 9150172 (cited by 8 submitters); PubMed 16683254 (cited by 5 submitters); PubMed 21120943 (cited by 4 submitters); PubMed 21324516 (cited by 10 submitters); PubMed 22144684 (cited by 7 submitters); PubMed 11179017 (cited by 5 submitters); PubMed 11597388 (cited by 7 submitters); PubMed 18284688 (cited by 5 submitters); PubMed 29084914 (cited by 5 submitters); PubMed 29446198 (cited by 4 submitters); PubMed 29625052 (cited by 5 submitters); PubMed 29922827 (cited by 6 submitters); PubMed 31853058 (cited by Color Diagnostics, LLC DBA Color Health); PubMed 30720243 (cited by Quest Diagnostics Nichols Institute San Juan Capistrano); PubMed 33939675 (cited by Quest Diagnostics Nichols Institute San Juan Capistrano); PubMed 28888541 (cited by Quest Diagnostics Nichols Institute San Juan Capistrano); PubMed 31492746 (cited by Quest Diagnostics Nichols Institute San Juan Capistrano); PubMed 34326862 (cited by Quest Diagnostics Nichols Institute San Juan Capistrano); PubMed 10550133 (cited by Ambry Genetics); PubMed 16541310 (cited by Ambry Genetics and Counsyl); PubMed 20858050 (cited by Ambry Genetics); PubMed 22762150 (cited by Ambry Genetics and Counsyl); PubMed 26586665 (cited by Counsyl).